The following is an entry in ClinVar:

ClinVar aggregate classification (germline): Pathogenic. Review status: criteria provided, multiple submitters, no conflicts (2 of 4 stars). 2 submissions from 2 submitters: Pathogenic (2). Last evaluated 2019-02-12.

Conditions:
Developmental and epileptic encephalopathy, 9 (DEE9). Also called: Early infantile epileptic encephalopathy 9; PCDH19-Related X-Linked Female-Limited Epilepsy with Mental Retardation; EPILEPSY, FEMALE-RESTRICTED, WITH MENTAL RETARDATION; JUBERG-HELLMAN SYNDROME. Identifiers: Orphanet 101039, Orphanet 2076, MedGen C1848137, MONDO:0010246, OMIM 300088. Disease mechanism: loss of function.

Submissions (2):

GeneDx
Classification: Pathogenic. Last evaluated: 2019-02-12. Review status: criteria provided, single submitter. Criteria: GeneDx Variant Classification (06012015). Collection method: clinical testing. Allele origin: germline. Affected: yes.
Comment: The c.132delA pathogenic variant in the PCDH19 gene causes a frameshift starting with codon Aspartate 45, changes this amino acid to a Threonine residue and creates a premature Stop codon at position 27 of the new reading frame, denoted p.Asp45ThrfsX27. This pathogenic variant is predicted to cause loss of normal protein function either through protein truncation or nonsense-mediated mRNA decay. The c.132delA variant is not observed in large population cohorts (Lek et al., 2016).

Labcorp Genetics (formerly Invitae), Labcorp
Classification: Pathogenic for Developmental and epileptic encephalopathy, 9. Last evaluated: 2018-11-20. Review status: criteria provided, single submitter. Criteria: Invitae Variant Classification Sherloc (09022015). Collection method: clinical testing. Allele origin: germline.
Comment: For these reasons, this variant has been classified as Pathogenic. Loss-of-function variants in PCDH19 are known to be pathogenic (PMID: 21053371). This variant is not present in population databases (ExAC no frequency). This sequence change creates a premature translational stop signal (p.Asp45Thrfs*27) in the PCDH19 gene. It is expected to result in an absent or disrupted protein product.

Literature cited by the submitters: PubMed 21053371 (cited by Labcorp Genetics (formerly Invitae), Labcorp).

NM_001184880.2(PCDH19):c.132del (p.Asp45fs)

Gene: PCDH19 (protocadherin 19; minus strand). Cytogenetic location: Xq22.1.
Variant type: Deletion.
Coding change: c.132del on transcript NM_001184880.2 (MANE Select); coding-DNA position 132, one base deleted (A; older notation c.132delA).
Protein change: p.Asp45fs; shifts the reading frame from aspartic acid 45.
Molecular consequence: frameshift variant.
Genome position (GRCh38, 1-based): chrX:100,408,466, T deleted on the plus strand (A on the coding strand, the reverse complement: PCDH19 is on the minus strand); the first of 3 consecutive T bases (chrX:100,408,466-100,408,468); deleting any one gives the same sequence. VCF-style (leftmost placement, unchanged base first): chrX-100408465-CT-C. GRCh37 (hg19) VCF-style: chrX-99663463-CT-C.
Other names: c.132del, p.Asp45fs (NM_001105243.2, NM_020766.3); c.132delA (NM_001184880.1); short protein forms D45fs.
Identifiers: ClinVar variation 639643 (VCV000639643.10), dbSNP rs1602638463, ClinGen allele CA915951279.